The following is an entry in ClinVar:

NM_000531.6(OTC):c.385C>T (p.Arg129Cys)

Gene: OTC (ornithine transcarbamylase; plus strand). Cytogenetic location: Xp11.4.
Variant type: single nucleotide variant.
Coding change: c.385C>T on transcript NM_000531.6 (MANE Select); coding-DNA position 385, C replaced by T.
Protein change: p.Arg129Cys; replaces arginine 129 with cysteine.
Molecular consequence: missense variant.
Genome position (GRCh38, 1-based): chrX:38,381,428, C>T. VCF-style: chrX-38381428-C-T. GRCh37 (hg19) VCF-style: chrX-38240681-C-T.
Other names: short protein forms R129C.
Identifiers: ClinVar variation 161330 (VCV000161330.25), dbSNP rs140046498, ClinGen allele CA272936.
Genomic context (GRCh38, chrX:38,381,428, plus strand): 5'-TGTTTTCTTACCACACAAGATATTCATTTGGGTGTGAATGAAAGTCTCACGGACACGGCC[C>T]GGTTTGTAAATATTTTCTTCTCTCCAAAGCTGATTTCAGAATCTGATGGATAAATTTCAA-3'
Protein context (NP_000522.3, residues 119-139): GVNESLTDTA[Arg129Cys]VLSSMADAVL

ClinVar aggregate classification (germline): Uncertain significance. Review status: criteria provided, multiple submitters, no conflicts (2 of 4 stars). 13 submissions from 13 submitters: Uncertain significance (11). 2 of the submissions do not count toward it. Last evaluated 2026-01-25.

Conditions:
OTC-related disorder. Also called: OTC-related condition.
Ornithine carbamoyltransferase deficiency (OTCD). Also called: ORNITHINE TRANSCARBAMYLASE DEFICIENCY; Ornithine Carbamoyltransferase Deficiency Disease; ORNITHINE TRANSCARBAMYLASE DEFICIENCY, HYPERAMMONEMIA DUE TO; OTC DEFICIENCY. Identifiers: Orphanet 664, MedGen C0268542, MONDO:0010703, OMIM 311250.

Allele frequency attached by ClinVar (database versions not stated): gnomAD exomes 0.00005; ExAC 0.00008; gnomAD 0.00011 and 0.00013; TOPMed 0.00011; ESP Exome Variant Server 0.00019.
gnomAD v4.1: 94 of 1,162,102 alleles (0.0081%); highest among the groups gnomAD compares: African/African-American, 0.027%; no homozygotes.

Submissions 1 to 8 of 13:

Labcorp Genetics (formerly Invitae), Labcorp
Classification: Uncertain significance for Ornithine carbamoyltransferase deficiency. Last evaluated: 2026-01-25. Review status: criteria provided, single submitter. Criteria: Invitae Variant Classification Sherloc (09022015). Collection method: clinical testing. Allele origin: germline.
Comment: This sequence change replaces arginine, which is basic and polar, with cysteine, which is neutral and slightly polar, at codon 129 of the OTC protein (p.Arg129Cys). This variant is present in population databases (rs140046498, gnomAD 0.02%), including at least one homozygous and/or hemizygous individual. This missense change has been observed in individual(s) with ornithine transcarbamylase deficiency (PMID: 19138872). ClinVar contains an entry for this variant (Variation ID: 161330). An algorithm developed to predict the effect of missense changes on protein structure and function (PolyPhen-2) suggests that this variant is likely to be tolerated. Experimental studies are conflicting or provide insufficient evidence to determine the effect of this variant on OTC function (PMID: 37146589). In summary, the available evidence is currently insufficient to determine the role of this variant in disease. Therefore, it has been classified as a Variant of Uncertain Significance.

GeneDx
Classification: Uncertain significance. Last evaluated: 2025-08-12. Review status: criteria provided, single submitter. Criteria: GeneDx Variant Classification Process June 2021. Collection method: clinical testing. Allele origin: germline. Affected: yes.
Comment: Reported in association with OTC deficiency, however clinical information on the patient and further details were not provided (PMID: 19138872); In silico analysis supports that this missense variant has a deleterious effect on protein structure/function; This variant is associated with the following publications: (PMID: 25637381, 24055113, 25525159, 28324312, 34906067, 37146589, 33272297, 19138872)

PreventionGenetics, part of Exact Sciences
Classification: Uncertain significance for OTC-related condition. Last evaluated: 2025-05-01. Review status: criteria provided, single submitter. Criteria: ACMG Guidelines, 2015. Collection method: clinical testing. Allele origin: germline.
Comment: The OTC c.385C>T variant is predicted to result in the amino acid substitution p.Arg129Cys. This variant has been reported in one patient with suspected ornithine transcarbamylase (OTC) deficiency (Shchelochkov et al. 2009. PubMed ID: 19138872). This variant is reported in 0.027% of alleles in individuals of African descent in gnomAD. Different substitutions of the same amino acid (p.Arg129His, p.Arg129Pro, p.Arg129Leu) have been reported in association with OTC deficiency (Human Gene Mutation Database). Importantly, the other predicted substitutions in this region were due to change at a different nucleotide location (c.386), which is the last nucleotide in OTC exon 4 and may therefore affect the canonical splice donor site (e.g., Rivera-Barahona et al. 2015. PubMed ID: 25853564). The variant observed in this patient, c.385C>T, is a substitution in the penultimate nucleotide of exon 4, and is unlikely to affect splicing based on a SpliceAI donor loss score of 0.13 (SpliceAI, Jaganathan et al. 2019. PubMed ID: 30661751). However, such computer prediction programs are imperfect. At this time the clinical significance of this variant is uncertain due to the absence of conclusive functional and genetic evidence.

Color Diagnostics, LLC DBA Color Health
Classification: Uncertain significance for Ornithine carbamoyltransferase deficiency. Last evaluated: 2024-03-29. Review status: criteria provided, single submitter. Criteria: ACMG Guidelines, 2015. Collection method: clinical testing. Allele origin: germline.
Comment: This missense variant replaces arginine with cysteine at codon 129 of the OTC protein. Computational prediction suggests that this variant may have deleterious impact on protein structure and function. To our knowledge, functional studies have not been reported for this variant. This variant caused by c.385C>T occurs 2 nucleotides upstream from the intron 4 5' splice donor site and has shown to have only minor impact on splicing (PMID: 34906067). This variant has been reported in an individual affected with ornithine carbamoyltransferase deficiency in the literature (PMID: 19138872). This variant has been identified in 11/203121 chromosomes in the general population by the Genome Aggregation Database (gnomAD). The available evidence is insufficient to determine the role of this variant in disease conclusively. Therefore, this variant is classified as a Variant of Uncertain Significance.

Victorian Clinical Genetics Services, Murdoch Childrens Research Institute
Classification: Uncertain significance for Ornithine carbamoyltransferase deficiency. Last evaluated: 2022-06-24. Review status: criteria provided, single submitter. Criteria: ACMG Guidelines, 2015. Collection method: clinical testing. Allele origin: germline. Inheritance: X-linked recessive inheritance.
Comment: Based on the classification scheme VCGS_Germline_v1.3.4, this variant is classified as VUS-3B. Following criteria are met: 0102 - Loss of function is a known mechanism of disease in this gene and is associated with ornithine transcarbamylase deficiency (MIM#311250). (I) 0109 - This gene is associated with X-linked disease. (I) 0209 - Splice site variant proven to affect splicing of the transcript with uncertain effect on protein sequence. This variant affects the second last nucleotide of exon 4 and results in a substitution of arginine to cysteine however it has been demonstrated to cause mis-splicing resulting in a slight decrease in correct trancript compared to wild-type (PMID: 34906067). (SP) 0251 - This variant is heterozygous. (I) 0305 - Variant is present in gnomAD >=0.01 and <0.03 for a recessive condition (v3) (8 heterozygotes, 0 homozygotes, 4 hemizygotes). (I) 0508 - In silico predictions are unavailable at this position but the nucleotide is moderate conserved. As a missense variant, it is consistently predicted to be damaging by multiple in silico tools and it is highly conserved with a major amino acid change. (I) 0705 - No comparable variants have previous evidence for pathogenicity. Alternative changes to leucine, proline and histidine have previously been reported as pathogenic (ClinVar, LOVD), however, these variants affect the last nucleotide of the exon and are very highly conserved. These variants have been shown to cause aberrant splicing resulting in absent or minimal correctly spliced transcripts (PMID: 34906067). (I) 0809 - Previous evidence of pathogenicity for this variant is inconclusive. This variant has been reported as a VUS at least four times in ClinVar and the literature (PMID: 25637381). It has been reported in one patient with OTC deficiency however there is limited details (PMID: 19138872) and in a different report, it is unclear if p.(Arg129Cys) was reported in a patient as the variant nomenclature was not accurate (PMID: 33272297). (I) 0905 - No published segregation evidence has been identified for this variant. (I) 1007 - No published functional evidence has been identified for this variant. (I) Legend: (SP) - Supporting pathogenic, (I) - Information, (SB) - Supporting benign

MGZ Medical Genetics Center
Classification: Uncertain significance for Ornithine carbamoyltransferase deficiency. Last evaluated: 2022-05-02. Review status: criteria provided, single submitter. Criteria: ACMG Guidelines, 2015. Collection method: clinical testing. Allele origin: germline. Affected: yes. Observed: 1 variant allele.
Comment: ACMG criteria applied: PM5, PS4_SUP, PP3

Fulgent Genetics
Classification: Uncertain significance for Ornithine carbamoyltransferase deficiency. Last evaluated: 2021-11-10. Review status: criteria provided, single submitter. Criteria: ACMG Guidelines, 2015. Collection method: clinical testing. Allele origin: unknown.

Genome-Nilou Lab
Classification: Uncertain significance for Ornithine carbamoyltransferase deficiency. Last evaluated: 2021-11-07. Review status: criteria provided, single submitter. Criteria: ACMG Guidelines, 2015. Collection method: clinical testing. Allele origin: germline. Affected: no.